The following is an entry in ClinVar:

ClinVar aggregate classification (germline): Uncertain significance (1 of 4 stars; one submission).

Conditions:
Inborn genetic diseases. Identifiers: MedGen C0950123, MeSH D030342.

Submission:

Ambry Genetics
Classification: Uncertain significance for Inborn genetic diseases. Last evaluated: 2025-11-10. Review status: criteria provided, single submitter. Criteria: Ambry Variant Classification Scheme 2023. Collection method: clinical testing. Allele origin: germline.
Comment: The p.N280D variant (also known as c.838A>G), located in coding exon 6 of the G6PC3 gene, results from an A to G substitution at nucleotide position 838. The asparagine at codon 280 is replaced by aspartic acid, an amino acid with highly similar properties. This amino acid position is conserved. In addition, this alteration is predicted to be tolerated by in silico analysis. Based on the available evidence, the clinical significance of this variant remains unclear.

NM_138387.4(G6PC3):c.838A>G (p.Asn280Asp)

Gene: G6PC3 (glucose-6-phosphatase catalytic subunit 3; plus strand). Cytogenetic location: 17q21.31.
Variant type: single nucleotide variant.
Coding change: c.838A>G on transcript NM_138387.4 (MANE Select); coding-DNA position 838, A replaced by G.
Protein change: p.Asn280Asp; replaces asparagine 280 with aspartic acid.
Molecular consequence: missense variant. On other transcripts: 3 prime UTR variant (1).
Genome position (GRCh38, 1-based): chr17:44,075,840, A>G. VCF-style: chr17-44075840-A-G. GRCh37 (hg19) VCF-style: chr17-42153208-A-G.
Other names: c.*131A>G (NM_001319945.2); c.493A>G, p.Asn165Asp (NM_001384165.1, NM_001384166.1, NM_001384167.1 and 1 more transcripts); short protein forms N280D, N165D.
Identifiers: ClinVar variation 4620514 (VCV004620514.1).